The following is an entry in ClinVar:

ClinVar aggregate classification (germline): Uncertain significance. Review status: criteria provided, multiple submitters, no conflicts (2 of 4 stars). 2 submissions from 2 submitters: Uncertain significance (2). Last evaluated 2026-07-07.

Conditions:
Hereditary cancer-predisposing syndrome. Also called: Tumor predisposition; Hereditary Cancer Syndrome; Hereditary neoplastic syndrome; Neoplastic Syndromes, Hereditary. Identifiers: Orphanet 140162, MedGen C0027672, MeSH D009386, MONDO:0015356.

Submissions (2):

Ambry Genetics
Classification: Uncertain significance for Hereditary cancer-predisposing syndrome. Last evaluated: 2026-07-07. Review status: criteria provided, single submitter. Criteria: Ambry Variant Classification Scheme 2023. Collection method: clinical testing. Allele origin: germline.
Comment: The p.A21S variant (also known as c.61G>T), located in coding exon 1 of the SDHA gene, results from a G to T substitution at nucleotide position 61. The alanine at codon 21 is replaced by serine, an amino acid with similar properties. This amino acid position is conserved. In addition, this alteration is predicted to be tolerated by in silico analysis. Based on the available evidence, the clinical significance of this variant remains unclear.

GeneDx
Classification: Uncertain significance. Last evaluated: 2024-03-15. Review status: criteria provided, single submitter. Criteria: GeneDx Variant Classification Process June 2021. Collection method: clinical testing. Allele origin: germline. Affected: yes.
Comment: Not observed at significant frequency in large population cohorts (gnomAD); In silico analysis supports that this missense variant does not alter protein structure/function; Has not been previously published as pathogenic or benign to our knowledge

NM_004168.4(SDHA):c.61G>T (p.Ala21Ser)

Gene: SDHA (succinate dehydrogenase complex flavoprotein subunit A; plus strand). Cytogenetic location: 5p15.33.
Variant type: single nucleotide variant.
Coding change: c.61G>T on transcript NM_004168.4 (MANE Select); coding-DNA position 61, G replaced by T.
Protein change: p.Ala21Ser; replaces alanine 21 with serine.
Molecular consequence: missense variant.
Genome position (GRCh38, 1-based): chr5:218,416, G>T. VCF-style: chr5-218416-G-T. GRCh37 (hg19) VCF-style: chr5-218531-G-T.
Other names: c.61G>T, p.Ala21Ser (NM_001294332.2, NM_001330758.2); short protein forms A21S.
Identifiers: ClinVar variation 3371081 (VCV003371081.2).